The following is an entry in ClinVar:

ClinVar aggregate classification (germline): Uncertain significance. Review status: criteria provided, multiple submitters, no conflicts (2 of 4 stars). 2 submissions from 2 submitters: Uncertain significance (2). Last evaluated 2022-10-27.

Allele frequency attached by ClinVar (database versions not stated): TOPMed below 0.00001.
gnomAD v4.1: 1 of 1,614,020 alleles (0.000062%); highest among the groups gnomAD compares: Non-Finnish European, 0.000085%; no homozygotes.

Submissions (2):

Ambry Genetics
Classification: Uncertain significance. Last evaluated: 2022-10-27. Review status: criteria provided, single submitter. Criteria: Ambry Variant Classification Scheme 2023. Collection method: clinical testing. Allele origin: germline.
Comment: The p.M395V variant (also known as c.1183A>G), located in coding exon 12 of the PRKDC gene, results from an A to G substitution at nucleotide position 1183. The methionine at codon 395 is replaced by valine, an amino acid with highly similar properties. This amino acid position is conserved. In addition, this alteration is predicted to be tolerated by in silico analysis. Since supporting evidence is limited at this time, the clinical significance of this alteration remains unclear.

Blueprint Genetics
Classification: Uncertain significance. Last evaluated: 2018-08-20. Review status: criteria provided, single submitter. Criteria: ACMG Guidelines, 2015. Collection method: clinical testing. Allele origin: germline.

NM_006904.7(PRKDC):c.1183A>G (p.Met395Val)

Gene: PRKDC (protein kinase, DNA-activated, catalytic subunit; minus strand). Cytogenetic location: 8q11.21.
Variant type: single nucleotide variant.
Coding change: c.1183A>G on transcript NM_006904.7 (MANE Select); coding-DNA position 1183, A replaced by G.
Protein change: p.Met395Val; replaces methionine 395 with valine.
Molecular consequence: missense variant.
Genome position (GRCh38, 1-based): chr8:47,936,448, T>C on the plus strand (A>G on the coding strand, the complement: PRKDC is on the minus strand). VCF-style: chr8-47936448-T-C. GRCh37 (hg19) VCF-style: chr8-48849008-T-C.
Other names: c.1183A>G, p.Met395Val (NM_001081640.2); short protein forms M395V.
Identifiers: ClinVar variation 1742704 (VCV001742704.3), dbSNP rs2090353713, ClinGen allele CA371166245.